The following is an entry in ClinVar:

ClinVar aggregate classification (germline): Likely benign. Review status: criteria provided, multiple submitters, no conflicts (2 of 4 stars). 4 submissions from 4 submitters: Likely benign (3). 1 of the submissions does not count toward it. Last evaluated 2026-07-01.

Conditions:
Inborn genetic diseases. Identifiers: MedGen C0950123, MeSH D030342.
Tatton-Brown-Rahman overgrowth syndrome. Also called: Tatton-Brown-Rahman syndrome; Tall stature-intellectual disability-facial dysmorphism syndrome. Identifiers: Orphanet 404443, MedGen C4014545, MONDO:0014382, OMIM 615879.
DNMT3A-related disorder. Also called: DNMT3A-related condition; DNMT3A-related disorders.

gnomAD v4.1: 20 of 1,613,998 alleles (0.0012%); highest among the groups gnomAD compares: African/African-American, 0.004%; no homozygotes.

Submissions (4):

CeGaT Center for Human Genetics Tuebingen
Classification: Likely benign. Last evaluated: 2026-07-01. Review status: criteria provided, single submitter. Criteria: CeGaT Center For Human Genetics Tuebingen Variant Classification Criteria Version 2. Collection method: clinical testing. Allele origin: germline. Affected: yes. Observed: 1 variant allele.
Comment: DNMT3A: BP4, BP7

Labcorp Genetics (formerly Invitae), Labcorp
Classification: Likely benign for Tatton-Brown-Rahman overgrowth syndrome. Last evaluated: 2025-08-07. Review status: criteria provided, single submitter. Criteria: Invitae Variant Classification Sherloc (09022015). Collection method: clinical testing. Allele origin: germline.

Ambry Genetics
Classification: Likely benign for Inborn genetic diseases. Last evaluated: 2025-01-08. Review status: criteria provided, single submitter. Criteria: Ambry Variant Classification Scheme 2023. Collection method: clinical testing. Allele origin: germline.

PreventionGenetics, part of Exact Sciences
Classification: Likely benign for DNMT3A-related condition. Last evaluated: 2024-08-19. Review status: no assertion criteria provided. Collection method: clinical testing. Allele origin: germline. Not counted in ClinVar's aggregate classification.
Comment: This variant is classified as likely benign based on ACMG/AMP sequence variant interpretation guidelines (Richards et al. 2015 PMID: 25741868, with internal and published modifications).

NM_022552.5(DNMT3A):c.1386G>A (p.Ala462=)

Gene: DNMT3A (DNA methyltransferase 3 alpha; minus strand). Cytogenetic location: 2p23.3.
Variant type: single nucleotide variant.
Coding change: c.1386G>A on transcript NM_022552.5 (MANE Select); coding-DNA position 1386, G replaced by A.
Protein change: p.Ala462=; no amino-acid change (alanine 462 retained).
Molecular consequence: synonymous variant. On other transcripts: non-coding transcript variant (1).
Genome position (GRCh38, 1-based): chr2:25,246,203, C>T on the plus strand (G>A on the coding strand, the complement: DNMT3A is on the minus strand). VCF-style: chr2-25246203-C-T. GRCh37 (hg19) VCF-style: chr2-25469072-C-T.
Other names: c.930G>A, p.Ala310= (NM_001320893.1); c.717G>A, p.Ala239= (NM_001375819.1); c.819G>A, p.Ala273= (NM_153759.3); c.1386G>A, p.Ala462= (NM_175629.2); c.1386G>A (NM_022552.3).
Identifiers: ClinVar variation 3347334 (VCV003347334.4).